The following is an entry in ClinVar:

ClinVar aggregate classification (germline): Uncertain significance. Review status: criteria provided, multiple submitters, no conflicts (2 of 4 stars). 2 submissions from 2 submitters: Uncertain significance (2). Last evaluated 2026-01-18.

Conditions:
Inborn genetic diseases. Identifiers: MedGen C0950123, MeSH D030342.

Allele frequency attached by ClinVar (database versions not stated): ExAC 0.00002; gnomAD 0.00003; gnomAD exomes 0.00003; TOPMed 0.00004.
gnomAD v4.1: 54 of 1,613,180 alleles (0.0033%); highest among the groups gnomAD compares: Non-Finnish European, 0.0046%; no homozygotes.

Submissions (2):

Labcorp Genetics (formerly Invitae), Labcorp
Classification: Uncertain significance. Last evaluated: 2026-01-18. Review status: criteria provided, single submitter. Criteria: Invitae Variant Classification Sherloc (09022015). Collection method: clinical testing. Allele origin: germline.
Comment: This sequence change replaces histidine, which is basic and polar, with arginine, which is basic and polar, at codon 934 of the MYO7A protein (p.His934Arg). This variant is present in population databases (rs782608013, gnomAD 0.005%). This variant has not been reported in the literature in individuals affected with MYO7A-related conditions. ClinVar contains an entry for this variant (Variation ID: 2145077). Invitae Evidence Modeling of protein sequence and biophysical properties (such as structural, functional, and spatial information, amino acid conservation, physicochemical variation, residue mobility, and thermodynamic stability) indicates that this missense variant is not expected to disrupt MYO7A protein function with a negative predictive value of 95%. In summary, the available evidence is currently insufficient to determine the role of this variant in disease. Therefore, it has been classified as a Variant of Uncertain Significance.

Ambry Genetics
Classification: Uncertain significance for Inborn genetic diseases. Last evaluated: 2023-02-23. Review status: criteria provided, single submitter. Criteria: Ambry Variant Classification Scheme 2023. Collection method: clinical testing. Allele origin: germline.

NM_000260.4(MYO7A):c.2801A>G (p.His934Arg)

Gene: MYO7A (myosin VIIA; plus strand). Cytogenetic location: 11q13.5.
Variant type: single nucleotide variant.
Coding change: c.2801A>G on transcript NM_000260.4 (MANE Select); coding-DNA position 2801, A replaced by G.
Protein change: p.His934Arg; replaces histidine 934 with arginine.
Molecular consequence: missense variant.
Genome position (GRCh38, 1-based): chr11:77,181,486, A>G. VCF-style: chr11-77181486-A-G. GRCh37 (hg19) VCF-style: chr11-76892532-A-G.
Other names: c.2801A>G (NM_000260.3); c.2801A>G, p.His934Arg (NM_001127180.2); c.2768A>G, p.His923Arg (NM_001369365.1); short protein forms H923R, H934R.
Identifiers: ClinVar variation 2145077 (VCV002145077.5), dbSNP rs782608013, ClinGen allele CA6197937.